The following is an entry in ClinVar:

NM_001292063.2(OTOG):c.2112C>G (p.Leu704=)

Gene: OTOG (otogelin; plus strand). Cytogenetic location: 11p15.1.
Variant type: single nucleotide variant.
Coding change: c.2112C>G on transcript NM_001292063.2 (MANE Select); coding-DNA position 2112, C replaced by G.
Protein change: p.Leu704=; no amino-acid change (leucine 704 retained).
Molecular consequence: synonymous variant.
Genome position (GRCh38, 1-based): chr11:17,573,109, C>G. VCF-style: chr11-17573109-C-G. GRCh37 (hg19) VCF-style: chr11-17594656-C-G.
Other names: c.2148C>G, p.Leu716= (NM_001277269.2); c.2148C>G (NM_001277269.1).
Identifiers: ClinVar variation 2159752 (VCV002159752.5), dbSNP rs544471786, ClinGen allele CA218451606.

ClinVar aggregate classification (germline): Likely benign. Review status: criteria provided, single submitter (1 of 4 stars). 2 submissions from 2 submitters: Likely benign (1). 1 of the submissions does not count toward it. Last evaluated 2025-03-17.

Conditions:
OTOG-related disorder. Also called: OTOG-related condition.

Allele frequency attached by ClinVar (database versions not stated): gnomAD exomes 0.00001; gnomAD 0.00015; 1000 Genomes Project 30x 0.00031; 1000 Genomes Project 0.00040.
gnomAD v4.1: 31 of 1,548,352 alleles (0.002%); highest among the groups gnomAD compares: African/African-American, 0.04%; no homozygotes.

Submissions (2):

Labcorp Genetics (formerly Invitae), Labcorp
Classification: Likely benign. Last evaluated: 2025-03-17. Review status: criteria provided, single submitter. Criteria: Invitae Variant Classification Sherloc (09022015). Collection method: clinical testing. Allele origin: germline.

PreventionGenetics, part of Exact Sciences
Classification: Likely benign for OTOG-related condition. Last evaluated: 2024-05-24. Review status: no assertion criteria provided. Collection method: clinical testing. Allele origin: germline. Not counted in ClinVar's aggregate classification.
Comment: This variant is classified as likely benign based on ACMG/AMP sequence variant interpretation guidelines (Richards et al. 2015 PMID: 25741868, with internal and published modifications).